The following is an entry in ClinVar:

ClinVar aggregate classification (germline): Uncertain significance (1 of 4 stars; one submission).

Conditions:
Early-infantile DEE. Also called: Ohtahara syndrome; Early infantile epileptic encephalopathy; Early infantile epileptic encephalopathy with suppression bursts. Identifiers: Orphanet 1934, MedGen C0393706, MONDO:0800491.

Allele frequency attached by ClinVar (database versions not stated): gnomAD exomes below 0.00001; gnomAD 0.00001; TOPMed 0.00001.
gnomAD v4.1: 3 of 1,613,990 alleles (0.00019%); highest among the groups gnomAD compares: Non-Finnish European, 0.00025%; no homozygotes.

Submission:

Labcorp Genetics (formerly Invitae), Labcorp
Classification: Uncertain significance for Early-infantile DEE. Last evaluated: 2023-12-21. Review status: criteria provided, single submitter. Criteria: Invitae Variant Classification Sherloc (09022015). Collection method: clinical testing. Allele origin: germline.
Comment: This sequence change replaces proline, which is neutral and non-polar, with leucine, which is neutral and non-polar, at codon 744 of the ARHGEF15 protein (p.Pro744Leu). This variant is present in population databases (no rsID available, gnomAD 0.007%). This variant has not been reported in the literature in individuals affected with ARHGEF15-related conditions. An algorithm developed to predict the effect of missense changes on protein structure and function (PolyPhen-2) suggests that this variant is likely to be disruptive. In summary, the available evidence is currently insufficient to determine the role of this variant in disease. Therefore, it has been classified as a Variant of Uncertain Significance.

NM_173728.4(ARHGEF15):c.2231C>T (p.Pro744Leu)

Gene: ARHGEF15 (Rho guanine nucleotide exchange factor 15; plus strand). Cytogenetic location: 17p13.1.
Variant type: single nucleotide variant.
Coding change: c.2231C>T on transcript NM_173728.4 (MANE Select); coding-DNA position 2231, C replaced by T.
Protein change: p.Pro744Leu; replaces proline 744 with leucine.
Molecular consequence: missense variant.
Genome position (GRCh38, 1-based): chr17:8,319,356, C>T. VCF-style: chr17-8319356-C-T. GRCh37 (hg19) VCF-style: chr17-8222674-C-T.
Other names: c.2231C>T, p.Pro744Leu (NM_025014.2); short protein forms P744L.
Identifiers: ClinVar variation 2871402 (VCV002871402.3), dbSNP rs1033497306, ClinGen allele CA287572534.